The following is an entry in ClinVar:

ClinVar aggregate classification (germline): Uncertain significance (1 of 4 stars; one submission).

Conditions:
Hypertrophic cardiomyopathy. Also called: HYPERTROPHIC MYOCARDIOPATHY. Identifiers: Orphanet 217569, MedGen C0007194, MeSH D002312, MONDO:0005045, HP:0001639.

Submission:

Labcorp Genetics (formerly Invitae), Labcorp
Classification: Uncertain significance for Hypertrophic cardiomyopathy. Last evaluated: 2020-03-18. Review status: criteria provided, single submitter. Criteria: Invitae Variant Classification Sherloc (09022015). Collection method: clinical testing. Allele origin: germline.
Comment: This sequence change replaces arginine with leucine at codon 145 of the TNNI3 protein (p.Arg145Leu). The arginine residue is highly conserved and there is a moderate physicochemical difference between arginine and leucine. This variant is not present in population databases (ExAC no frequency). This variant has not been reported in the literature in individuals with TNNI3-related conditions. Algorithms developed to predict the effect of missense changes on protein structure and function (SIFT, PolyPhen-2, Align-GVGD) all suggest that this variant is likely to be disruptive, but these predictions have not been confirmed by published functional studies and their clinical significance is uncertain. This variant disrupts the p.Arg145 amino acid residue in TNNI3. Other variant(s) that disrupt this residue have been determined to be pathogenic (PMID: 9241277, 15607392, 23283745, 24111713, 25132132). This suggests that this residue is clinically significant, and that variants that disrupt this residue are likely to be disease-causing. In summary, the available evidence is currently insufficient to determine the role of this variant in disease. Therefore, it has been classified as a Variant of Uncertain Significance.

Literature cited by the submitters: PubMed 9241277; PubMed 15607392; PubMed 23283745; PubMed 24111713; PubMed 25132132.

NM_000363.5(TNNI3):c.434G>T (p.Arg145Leu)

Gene: TNNI3 (troponin I3, cardiac type; minus strand). Cytogenetic location: 19q13.42.
Variant type: single nucleotide variant.
Coding change: c.434G>T on transcript NM_000363.5 (MANE Select); coding-DNA position 434, G replaced by T.
Protein change: p.Arg145Leu; replaces arginine 145 with leucine.
Molecular consequence: missense variant.
Genome position (GRCh38, 1-based): chr19:55,154,145, C>A on the plus strand (G>T on the coding strand, the complement: TNNI3 is on the minus strand). VCF-style: chr19-55154145-C-A. GRCh37 (hg19) VCF-style: chr19-55665513-C-A.
Other names: short protein forms R145L.
Identifiers: ClinVar variation 1035985 (VCV001035985.8), dbSNP rs397516349, ClinGen allele CA407440540.
Genomic context (GRCh38, chr19:55,154,145, plus strand): 5'-TCCTTAGCCCGGGCCCCCAGCAGCGCCTGCATCATGGCATCTGCAGAGATCCTCACTCTC[C>A]GCAGGGTGGGCCGCTTAAACTTGCCTCGAAGGTCAAAGATCTTCTGAGTCAGATCTGCAA-3'
Protein context (NP_000354.4, residues 135-155): LRGKFKRPTL[Arg145Leu]RVRISADAMM